The following is an entry in ClinVar:

ClinVar aggregate classification (germline): Uncertain significance. Review status: criteria provided, multiple submitters, no conflicts (2 of 4 stars). 2 submissions from 2 submitters: Uncertain significance (2). Last evaluated 2024-04-25.

Conditions:
Hereditary cancer-predisposing syndrome. Also called: Hereditary Cancer Syndrome; Tumor predisposition; Neoplastic Syndromes, Hereditary; Hereditary neoplastic syndrome. Identifiers: Orphanet 140162, MedGen C0027672, MeSH D009386, MONDO:0015356.
Hereditary pheochromocytoma and paraganglioma. Also called: Hereditary pheochromocytoma-paraganglioma; Hereditary paragangliomas and pheochromocytomas; Hereditary Paraganglioma-Pheochromocytoma Syndromes. Identifiers: Orphanet 29072, MedGen C4274332, MONDO:0017366.

gnomAD v4.1: 6 of 1,600,236 alleles (0.00037%); highest among the groups gnomAD compares: Non-Finnish European, 0.00051%; no homozygotes.

Submissions (2):

Ambry Genetics
Classification: Uncertain significance for Hereditary cancer-predisposing syndrome. Last evaluated: 2024-04-25. Review status: criteria provided, single submitter. Criteria: Ambry Variant Classification Scheme 2023. Collection method: clinical testing. Allele origin: germline.
Comment: The p.E50K variant (also known as c.148G>A), located in coding exon 1 of the TMEM127 gene, results from a G to A substitution at nucleotide position 148. The glutamic acid at codon 50 is replaced by lysine, an amino acid with similar properties. This amino acid position is highly conserved in available vertebrate species. In addition, this alteration is predicted to be deleterious by in silico analysis. Since supporting evidence is limited at this time, the clinical significance of this alteration remains unclear.

Labcorp Genetics (formerly Invitae), Labcorp
Classification: Uncertain significance for Hereditary pheochromocytoma and paraganglioma. Last evaluated: 2023-12-23. Review status: criteria provided, single submitter. Criteria: Invitae Variant Classification Sherloc (09022015). Collection method: clinical testing. Allele origin: germline.
Comment: This sequence change replaces glutamic acid, which is acidic and polar, with lysine, which is basic and polar, at codon 50 of the TMEM127 protein (p.Glu50Lys). The frequency data for this variant in the population databases is considered unreliable, as metrics indicate poor data quality at this position in the gnomAD database. This variant has not been reported in the literature in individuals affected with TMEM127-related conditions. ClinVar contains an entry for this variant (Variation ID: 819367). An algorithm developed to predict the effect of missense changes on protein structure and function (PolyPhen-2) suggests that this variant is likely to be tolerated. In summary, the available evidence is currently insufficient to determine the role of this variant in disease. Therefore, it has been classified as a Variant of Uncertain Significance.

NM_017849.4(TMEM127):c.148G>A (p.Glu50Lys)

Gene: TMEM127 (transmembrane protein 127; minus strand). Cytogenetic location: 2q11.2.
Variant type: single nucleotide variant.
Coding change: c.148G>A on transcript NM_017849.4 (MANE Select); coding-DNA position 148, G replaced by A.
Protein change: p.Glu50Lys; replaces glutamic acid 50 with lysine.
Molecular consequence: missense variant.
Genome position (GRCh38, 1-based): chr2:96,265,234, C>T on the plus strand (G>A on the coding strand, the complement: TMEM127 is on the minus strand). VCF-style: chr2-96265234-C-T. GRCh37 (hg19) VCF-style: chr2-96930972-C-T.
Other names: c.148G>A, p.Glu50Lys (NM_001193304.3); short protein forms E50K.
Identifiers: ClinVar variation 819367 (VCV000819367.13), dbSNP rs1437924634, ClinGen allele CA347656024.
Genomic context (GRCh38, chr2:96,265,234, plus strand): 5'-CGGAGACCCCCAGCTCCTGGCGCGAACAGGTGCCTCCGTGGATGTGCAACCAGGCGGGCT[C>T]GGCGAGGGCAGTGCACAGCGCCGTGATAGACAGGGCGCCAGGCAGGGCCGAGGCCAGGCT-3'
Protein context (NP_060319.1, residues 40-60): SITALCTALA[Glu50Lys]PAWLHIHGGT